The following is an entry in ClinVar:

NM_001723.7(DST):c.6477A>C (p.Arg2159Ser)

Gene: DST (dystonin; minus strand). Cytogenetic location: 6p12.1.
Variant type: single nucleotide variant.
Coding change: c.6477A>C on transcript NM_001723.7 (MANE Plus Clinical); coding-DNA position 6477, A replaced by C.
Protein change: p.Arg2159Ser; replaces arginine 2159 with serine.
Molecular consequence: missense variant. On other transcripts: intron variant (10).
Genome position (GRCh38, 1-based): chr6:56,616,990, T>G on the plus strand (A>C on the coding strand, the complement: DST is on the minus strand). VCF-style: chr6-56616990-T-G. GRCh37 (hg19) VCF-style: chr6-56481788-T-G.
Other names: c.4831-2506A>C (NM_001144769.5); c.4930-2506A>C (NM_001374722.1, NM_001374736.1); c.4957-2506A>C (NM_001374734.1); c.4417-2506A>C (NM_001144770.2); c.4297-2506A>C (NM_001374730.1, NM_001386100.1, NM_183380.4 and 1 more transcripts); c.3319-2506A>C (NM_015548.5); short protein forms R2159S.
Identifiers: ClinVar variation 2196070 (VCV002196070.1), dbSNP rs762270622, ClinGen allele CA3870156.

ClinVar aggregate classification (germline): Uncertain significance (1 of 4 stars; one submission).

Conditions:
Epidermolysis bullosa simplex 3, localized or generalized intermediate, with BP230 deficiency (EBS3). Also called: Epidermolysis bullosa simplex due to BP230 deficiency; Epidermolysis bullosa simplex, autosomal recessive 2. Identifiers: Orphanet 412181, MedGen C3809470, MONDO:0014180, OMIM 615425.
Hereditary sensory and autonomic neuropathy type 6. Also called: Neuropathy, hereditary sensory and autonomic, type VI; HSAN VI. Identifiers: Orphanet 314381, MedGen C3539003, MONDO:0013839, OMIM 614653.

Allele frequency attached by ClinVar (database versions not stated): gnomAD 0.00001; gnomAD exomes 0.00001; ExAC 0.00002.
gnomAD v4.1: 21 of 1,609,300 alleles (0.0013%); highest among the groups gnomAD compares: Non-Finnish European, 0.0018%; no homozygotes.

Submission:

Labcorp Genetics (formerly Invitae), Labcorp
Classification: Uncertain significance for Epidermolysis bullosa simplex 3, localized or generalized intermediate, with BP230 deficiency; Hereditary sensory and autonomic neuropathy type 6. Last evaluated: 2022-02-18. Review status: criteria provided, single submitter. Criteria: Invitae Variant Classification Sherloc (09022015). Collection method: clinical testing. Allele origin: germline.
Comment: This sequence change replaces arginine, which is basic and polar, with serine, which is neutral and polar, at codon 2159 of the DST protein (p.Arg2159Ser). This variant is present in population databases (rs762270622, gnomAD 0.005%). This variant has not been reported in the literature in individuals affected with DST-related conditions. Algorithms developed to predict the effect of missense changes on protein structure and function (SIFT, PolyPhen-2, Align-GVGD) all suggest that this variant is likely to be tolerated. In summary, the available evidence is currently insufficient to determine the role of this variant in disease. Therefore, it has been classified as a Variant of Uncertain Significance.